The following is an entry in ClinVar:

ClinVar aggregate classification (germline): Pathogenic/Likely pathogenic. Review status: criteria provided, multiple submitters, no conflicts (2 of 4 stars). 2 submissions from 2 submitters: Pathogenic (1); Likely pathogenic (1). Last evaluated 2024-08-07.

Conditions:
Interstitial lung disease due to ABCA3 deficiency. Also called: PULMONARY ALVEOLAR PROTEINOSIS, CONGENITAL, 3. Identifiers: Orphanet 440402, MedGen C1970456, MONDO:0012582, OMIM 610921.

Submissions (2):

Myriad Genetics, Inc.
Classification: Pathogenic for Interstitial lung disease due to ABCA3 deficiency. Last evaluated: 2024-08-07. Review status: criteria provided, single submitter. Criteria: Myriad Autosomal Dominant, Autosomal Recessive and X-Linked Classification Criteria (2023). Collection method: clinical testing. Allele origin: unknown.
Comment: NM_001089.2(ABCA3):c.2785C>T(Q929*) is expected to be pathogenic in the context of surfactant deficiency, ABCA3-related. This variant is predicted to lead to an abnormal or absent protein product due to the creation of a premature termination codon in ABCA3, a gene where loss-of-function variants are known to be pathogenic. Please note: this variant was assessed in the context of healthy population screening.

Fulgent Genetics
Classification: Likely pathogenic for Interstitial lung disease due to ABCA3 deficiency. Last evaluated: 2024-04-06. Review status: criteria provided, single submitter. Criteria: ACMG Guidelines, 2015. Collection method: clinical testing. Allele origin: germline.

NM_001089.3(ABCA3):c.2785C>T (p.Gln929Ter)

Gene: ABCA3 (ATP binding cassette subfamily A member 3; minus strand). Cytogenetic location: 16p13.3.
Variant type: single nucleotide variant.
Coding change: c.2785C>T on transcript NM_001089.3 (MANE Select); coding-DNA position 2785, C replaced by T.
Protein change: p.Gln929Ter; replaces glutamine 929 with a stop codon.
Molecular consequence: nonsense.
Genome position (GRCh38, 1-based): chr16:2,288,245, G>A on the plus strand (C>T on the coding strand, the complement: ABCA3 is on the minus strand). VCF-style: chr16-2288245-G-A. GRCh37 (hg19) VCF-style: chr16-2338246-G-A.
Other names: short protein forms Q929*.
Identifiers: ClinVar variation 3579977 (VCV003579977.2).